The following is an entry in ClinVar:

ClinVar aggregate classification (germline): Conflicting classifications of pathogenicity. Review status: criteria provided, conflicting classifications (1 of 4 stars). 2 submissions from 2 submitters: Uncertain significance (1); Likely benign (1). Last evaluated 2024-10-28.

Conditions:
Marfan syndrome (MFS). Also called: MARFAN SYNDROME, TYPE I; Marfan syndrome type 1; Marfan's syndrome; Marfan syndrome, classic; FBN1-Related Marfan Syndrome. Identifiers: Orphanet 284963, Orphanet 558, MedGen C0024796, MONDO:0007947, OMIM 154700.
Familial thoracic aortic aneurysm and aortic dissection (TAAD). Also called: Thoracic aortic aneurysms and dissections. Identifiers: Orphanet 91387, MedGen C4707243, MONDO:0019625.

Allele frequency attached by ClinVar (database versions not stated): gnomAD exomes 0.00001 and below 0.00001; gnomAD 0.00001; TOPMed 0.00001; ExAC 0.00003.
gnomAD v4.1: 3 of 1,613,602 alleles (0.00019%); highest among the groups gnomAD compares: East Asian, 0.0067%; no homozygotes.

Submissions (2):

Labcorp Genetics (formerly Invitae), Labcorp
Classification: Likely benign for Marfan syndrome; Familial thoracic aortic aneurysm and aortic dissection. Last evaluated: 2024-10-28. Review status: criteria provided, single submitter. Criteria: Invitae Variant Classification Sherloc (09022015). Collection method: clinical testing. Allele origin: germline.

All of Us Research Program, National Institutes of Health
Classification: Uncertain significance for Marfan syndrome. Last evaluated: 2024-09-27. Review status: criteria provided, single submitter. Criteria: ACMG Guidelines, 2015. Collection method: clinical testing. Allele origin: germline. Inheritance: Autosomal dominant inheritance. Observed: 1 variant allele, 1 heterozygote.
Comment: This study involves interpretation of variants in research participants for the purpose of population health screening. Participant phenotype was not available at the time of variant classification. Additional details can be found in publication PMID: 35346344, PMCID: PMC8962531

NM_000138.5(FBN1):c.6709G>A (p.Val2237Met)

Gene: FBN1 (fibrillin 1; minus strand). Cytogenetic location: 15q21.1.
Variant type: single nucleotide variant.
Coding change: c.6709G>A on transcript NM_000138.5 (MANE Select); coding-DNA position 6709, G replaced by A.
Protein change: p.Val2237Met; replaces valine 2237 with methionine.
Molecular consequence: missense variant.
Genome position (GRCh38, 1-based): chr15:48,432,896, C>T on the plus strand (G>A on the coding strand, the complement: FBN1 is on the minus strand). VCF-style: chr15-48432896-C-T. GRCh37 (hg19) VCF-style: chr15-48725093-C-T.
Other names: short protein forms V2237M.
Identifiers: ClinVar variation 1485240 (VCV001485240.9), dbSNP rs764218640, ClinGen allele CA057249.